The following is an entry in ClinVar:

NM_182931.3(KMT2E):c.2321T>C (p.Leu774Ser)

Gene: KMT2E (lysine methyltransferase 2E (inactive); plus strand). Cytogenetic location: 7q22.3.
Variant type: single nucleotide variant.
Coding change: c.2321T>C on transcript NM_182931.3 (MANE Select); coding-DNA position 2321, T replaced by C.
Protein change: p.Leu774Ser; replaces leucine 774 with serine.
Molecular consequence: missense variant.
Genome position (GRCh38, 1-based): chr7:105,105,563, T>C. VCF-style: chr7-105105563-T-C. GRCh37 (hg19) VCF-style: chr7-104746010-T-C.
Other names: c.2321T>C, p.Leu774Ser (NM_001410908.1, NM_018682.4); short protein forms L774S.
Identifiers: ClinVar variation 2433252 (VCV002433252.4), dbSNP rs2536502951, ClinGen allele CA368786023.

ClinVar aggregate classification (germline): Uncertain significance. Review status: criteria provided, multiple submitters, no conflicts (2 of 4 stars). 2 submissions from 2 submitters: Uncertain significance (2). Last evaluated 2026-09-30.

Conditions:
O'Donnell-Luria-Rodan syndrome (ODLURO). Also called: KMT2E-Related Neurodevelopmental Disorder. Identifiers: MedGen C5193138, MONDO:0032793, OMIM 618512.
Autism (AUTS). Also called: Autistic disorder; Autistic disorder of childhood onset. Identifiers: MedGen C0004352, MeSH D001321, MONDO:0005260, OMIM 209850, HP:0000717.

Allele frequency attached by ClinVar (database versions not stated): gnomAD exomes below 0.00001.
gnomAD v4.1: 1 of 1,614,110 alleles (0.000062%); highest among the groups gnomAD compares: Non-Finnish European, 0.000085%; no homozygotes.

Submissions (2):

Clinical Genetics Laboratory, Skane University Hospital Lund
Classification: Uncertain significance for Autism. Last evaluated: 2026-09-30. Review status: criteria provided, single submitter. Criteria: ACMG Guidelines, 2015. Collection method: clinical testing. Allele origin: biparental. Affected: yes.
Comment: Inherited biallelic missense variants in KMT2E in exon 18 have, to our knowledge, not been associated to any clinical condition. ACMG criteria applied: PM2, PM3_supporting, PP3.

Revvity Omics, Revvity
Classification: Uncertain significance for O'Donnell-Luria-Rodan syndrome. Last evaluated: 2022-02-10. Review status: criteria provided, single submitter. Criteria: ACMG Guidelines, 2015. Collection method: clinical testing. Allele origin: germline.